The following is an entry in ClinVar:

NM_001103146.3(GIGYF2):c.3753A>G (p.Gln1251=)

Gene: GIGYF2 (GRB10 interacting GYF protein 2; plus strand). Cytogenetic location: 2q37.1.
Variant type: single nucleotide variant.
Coding change: c.3753A>G on transcript NM_001103146.3 (MANE Select); coding-DNA position 3753, A replaced by G.
Protein change: p.Gln1251=; no amino-acid change (glutamine 1251 retained).
Molecular consequence: synonymous variant. On other transcripts: non-coding transcript variant (1).
Genome position (GRCh38, 1-based): chr2:232,850,330, A>G. VCF-style: chr2-232850330-A-G. GRCh37 (hg19) VCF-style: chr2-233715040-A-G.
Other names: c.3816A>G, p.Gln1272= (NM_001103147.2); c.3735A>G, p.Gln1245= (NM_001103148.2); c.3753A>G, p.Gln1251= (NM_015575.4).
Identifiers: ClinVar variation 3043094 (VCV003043094.3), dbSNP rs747349823, ClinGen allele CA66997117.

ClinVar aggregate classification (germline): Likely benign. Review status: criteria provided, single submitter (1 of 4 stars). 2 submissions from 2 submitters: Likely benign (1). 1 of the submissions does not count toward it.

Conditions:
GIGYF2-related disorder. Also called: GIGYF2-related condition.

Allele frequency attached by ClinVar (database versions not stated): gnomAD exomes 0.00001.
gnomAD v4.1: 17 of 1,613,830 alleles (0.0011%); highest among the groups gnomAD compares: Middle Eastern, 0.13%; 1 homozygote.

Submissions (2):

Breakthrough Genomics
Classification: Likely benign. Review status: criteria provided, single submitter. Criteria: ACMG Guidelines, 2015. Collection method: not provided. Allele origin: germline. Inheritance: Unknown mechanism. Affected: yes.

PreventionGenetics, part of Exact Sciences
Classification: Likely benign for GIGYF2-related condition. Last evaluated: 2019-06-26. Review status: no assertion criteria provided. Collection method: clinical testing. Allele origin: germline. Not counted in ClinVar's aggregate classification.
Comment: This variant is classified as likely benign based on ACMG/AMP sequence variant interpretation guidelines (Richards et al. 2015 PMID: 25741868, with internal and published modifications).